The following is an entry in ClinVar:

ClinVar aggregate classification (germline): Conflicting classifications of pathogenicity. Review status: criteria provided, conflicting classifications (1 of 4 stars). 3 submissions from 3 submitters: Uncertain significance (2); Likely benign (1). Last evaluated 2026-08-25.

Conditions:
IFT172-related disorder. Also called: IFT172-related disorders; IFT172-related condition.
Inborn genetic diseases. Identifiers: MedGen C0950123, MeSH D030342.
Retinitis pigmentosa 71 (RP71). Identifiers: Orphanet 791, MedGen C4225342, MONDO:0014618, OMIM 616394.
Short-rib thoracic dysplasia 10 with or without polydactyly (SRTD10). Identifiers: Orphanet 474, MedGen C3810175, MONDO:0014284, OMIM 615630.

Allele frequency attached by ClinVar (database versions not stated): ExAC 0.00002; TOPMed 0.00004; gnomAD 0.00007; ESP Exome Variant Server 0.00015.
gnomAD v4.1: 15 of 1,613,996 alleles (0.00093%); highest among the groups gnomAD compares: African/African-American, 0.019%; no homozygotes.

Submissions (3):

PreventionGenetics, part of Exact Sciences
Classification: Uncertain significance for IFT172-related condition. Last evaluated: 2026-08-25. Review status: criteria provided, single submitter. Criteria: ACMG Guidelines, 2015. Collection method: clinical testing. Allele origin: germline.
Comment: The IFT172 c.1718G>A variant is predicted to result in the amino acid substitution p.Gly573Asp. To our knowledge, this variant has not been reported in the literature. This variant is reported in 0.036% of alleles in individuals of African descent in gnomAD. At this time, the clinical significance of this variant is uncertain due to the absence of conclusive functional and genetic evidence.

Ambry Genetics
Classification: Uncertain significance for Inborn genetic diseases. Last evaluated: 2025-08-03. Review status: criteria provided, single submitter. Criteria: Ambry Variant Classification Scheme 2023. Collection method: clinical testing. Allele origin: germline.

Labcorp Genetics (formerly Invitae), Labcorp
Classification: Likely benign for Retinitis pigmentosa 71; Short-rib thoracic dysplasia 10 with or without polydactyly. Last evaluated: 2025-07-13. Review status: criteria provided, single submitter. Criteria: Invitae Variant Classification Sherloc (09022015). Collection method: clinical testing. Allele origin: germline.

NM_015662.3(IFT172):c.1718G>A (p.Gly573Asp)

Gene: IFT172 (intraflagellar transport 172; minus strand). Cytogenetic location: 2p23.3.
Variant type: single nucleotide variant.
Coding change: c.1718G>A on transcript NM_015662.3 (MANE Select); coding-DNA position 1718, G replaced by A.
Protein change: p.Gly573Asp; replaces glycine 573 with aspartic acid.
Molecular consequence: missense variant.
Genome position (GRCh38, 1-based): chr2:27,465,857, C>T on the plus strand (G>A on the coding strand, the complement: IFT172 is on the minus strand). VCF-style: chr2-27465857-C-T. GRCh37 (hg19) VCF-style: chr2-27688724-C-T.
Other names: c.1652G>A, p.Gly551Asp (NM_001410739.1); c.1718G>A (NM_015662.1, NM_015662.2); short protein forms G551D, G573D.
Identifiers: ClinVar variation 2186104 (VCV002186104.4), dbSNP rs140967266, ClinGen allele CA1580545.